The following is an entry in ClinVar:

ClinVar aggregate classification (germline): Pathogenic/Likely pathogenic. Review status: criteria provided, multiple submitters, no conflicts (2 of 4 stars). 3 submissions from 3 submitters: Pathogenic (1); Likely pathogenic (1). 1 of the submissions does not count toward it. Last evaluated 2025-09-02.

Conditions:
Polycystic kidney disease 4 (PKD4). Also called: POLYCYSTIC KIDNEY AND HEPATIC DISEASE 1; POLYCYSTIC KIDNEY DISEASE, INFANTILE, TYPE I; POLYCYSTIC KIDNEY DISEASE 4 WITH OR WITHOUT POLYCYSTIC LIVER DISEASE; PKD3; Autosomal Recessive Polycystic Kidney Disease – PKHD1. Identifiers: MedGen C4540575, MONDO:0033004, OMIM 263200.
Autosomal recessive polycystic kidney disease (ARPKD). Also called: AR polycystic kidney disease. Identifiers: Orphanet 731, Orphanet 8378, MedGen C0085548, MeSH D017044, MONDO:0009889.

Submissions (3):

Natera, Inc.
Classification: Likely pathogenic for Autosomal recessive polycystic kidney disease. Last evaluated: 2025-09-02. Review status: criteria provided, single submitter. Criteria: Natera Variant Classification Schema (03/2026). Collection method: clinical testing. Allele origin: germline.
Comment: The c.748C>T variant in PKHD1 is a nonsense variant predicted to introduce a stop codon at amino acid 250. This variant is expected to result in nonsense mediated decay, truncation, or a dysfunctional protein product. This variant is rare in the general population with a frequency below the threshold expected for the associated phenotype(s). Given the available evidence, this variant is classified as Likely Pathogenic.

Labcorp Genetics (formerly Invitae), Labcorp
Classification: Pathogenic for Autosomal recessive polycystic kidney disease. Last evaluated: 2023-02-18. Review status: criteria provided, single submitter. Criteria: Invitae Variant Classification Sherloc (09022015). Collection method: clinical testing. Allele origin: germline.
Comment: For these reasons, this variant has been classified as Pathogenic. Algorithms developed to predict the effect of sequence changes on RNA splicing suggest that this variant may disrupt the consensus splice site. ClinVar contains an entry for this variant (Variation ID: 370788). This variant has not been reported in the literature in individuals affected with PKHD1-related conditions. This variant is not present in population databases (gnomAD no frequency). This sequence change creates a premature translational stop signal (p.Gln250*) in the PKHD1 gene. It is expected to result in an absent or disrupted protein product. Loss-of-function variants in PKHD1 are known to be pathogenic (PMID: 19940839).

Counsyl
Classification: Likely pathogenic for Polycystic kidney disease 4. Last evaluated: 2016-04-13. Review status: no assertion criteria provided. Collection method: clinical testing. Allele origin: unknown. Not counted in ClinVar's aggregate classification.

Literature cited by the submitters: PubMed 19940839 (cited by Labcorp Genetics (formerly Invitae), Labcorp).

NM_138694.4(PKHD1):c.748C>T (p.Gln250Ter)

Gene: PKHD1 (PKHD1 ciliary IPT domain containing fibrocystin/polyductin; minus strand). Cytogenetic location: 6p12.2.
Variant type: single nucleotide variant.
Coding change: c.748C>T on transcript NM_138694.4 (MANE Select); coding-DNA position 748, C replaced by T.
Protein change: p.Gln250Ter; replaces glutamine 250 with a stop codon.
Molecular consequence: nonsense.
Genome position (GRCh38, 1-based): chr6:52,069,487, G>A on the plus strand (C>T on the coding strand, the complement: PKHD1 is on the minus strand). VCF-style: chr6-52069487-G-A. GRCh37 (hg19) VCF-style: chr6-51934285-G-A.
Other names: c.748C>T, p.Gln250Ter (NM_170724.3); short protein forms Q250*.
Identifiers: ClinVar variation 370788 (VCV000370788.7), dbSNP rs1057516768, ClinGen allele CA16041071.